The following is an entry in ClinVar:

ClinVar aggregate classification (germline): Uncertain significance (1 of 4 stars; one submission).

Allele frequency attached by ClinVar (database versions not stated): gnomAD 0.00001.
gnomAD v4.1: 3 of 1,614,118 alleles (0.00019%); highest among the groups gnomAD compares: Admixed American, 0.0017%; no homozygotes.

Submission:

Labcorp Genetics (formerly Invitae), Labcorp
Classification: Uncertain significance. Last evaluated: 2022-07-05. Review status: criteria provided, single submitter. Criteria: Invitae Variant Classification Sherloc (09022015). Collection method: clinical testing. Allele origin: germline.
Comment: This sequence change replaces threonine, which is neutral and polar, with isoleucine, which is neutral and non-polar, at codon 1218 of the GPR179 protein (p.Thr1218Ile). This variant is not present in population databases (gnomAD no frequency). This variant has not been reported in the literature in individuals affected with GPR179-related conditions. ClinVar contains an entry for this variant (Variation ID: 1373441). Algorithms developed to predict the effect of missense changes on protein structure and function are either unavailable or do not agree on the potential impact of this missense change (SIFT: "Deleterious"; PolyPhen-2: "Benign"; Align-GVGD: "Class C0"). In summary, the available evidence is currently insufficient to determine the role of this variant in disease. Therefore, it has been classified as a Variant of Uncertain Significance.

NM_001004334.4(GPR179):c.3653C>T (p.Thr1218Ile)

Gene: GPR179 (G protein-coupled receptor 179; minus strand). Cytogenetic location: 17q12.
Variant type: single nucleotide variant.
Coding change: c.3653C>T on transcript NM_001004334.4 (MANE Select); coding-DNA position 3653, C replaced by T.
Protein change: p.Thr1218Ile; replaces threonine 1218 with isoleucine.
Molecular consequence: missense variant.
Genome position (GRCh38, 1-based): chr17:38,329,916, G>A on the plus strand (C>T on the coding strand, the complement: GPR179 is on the minus strand). VCF-style: chr17-38329916-G-A. GRCh37 (hg19) VCF-style: chr17-36485799-G-A.
Other names: short protein forms T1218I.
Identifiers: ClinVar variation 1373441 (VCV001373441.3), dbSNP rs1404190600, ClinGen allele CA398878884.
Genomic context (GRCh38, chr17:38,329,916, plus strand): 5'-TGGTCAGCGCTGCCCAGGGACTGGAGGCCAGCTTTGGGCAGTTCCTGCCACCCGACAGGG[G>A]TTTCTTTTGATTGCTTGATGTTTTTGTCCCTGGAAACTTGCCTCAGCATGGCAAGCCCTG-3'
Protein context (NP_001004334.3, residues 1208-1228): RDKNIKQSKE[Thr1218Ile]PVGWQELPKA